The following is an entry in ClinVar:

ClinVar aggregate classification (germline): Uncertain significance (1 of 4 stars; one submission).

Submission:

Labcorp Genetics (formerly Invitae), Labcorp
Classification: Uncertain significance. Last evaluated: 2025-04-03. Review status: criteria provided, single submitter. Criteria: Invitae Variant Classification Sherloc (09022015). Collection method: clinical testing. Allele origin: germline.
Comment: This sequence change replaces isoleucine, which is neutral and non-polar, with valine, which is neutral and non-polar, at codon 1041 of the DIP2C protein (p.Ile1041Val). This variant is not present in population databases (gnomAD no frequency). This variant has not been reported in the literature in individuals affected with DIP2C-related conditions. An algorithm developed to predict the effect of missense changes on protein structure and function (PolyPhen-2) suggests that this variant is likely to be tolerated. In summary, the available evidence is currently insufficient to determine the role of this variant in disease. Therefore, it has been classified as a Variant of Uncertain Significance.

NM_014974.3(DIP2C):c.3121A>G (p.Ile1041Val)

Gene: DIP2C (DIP2 acetate--CoA ligase C (putative); minus strand). Cytogenetic location: 10p15.3.
Variant type: single nucleotide variant.
Coding change: c.3121A>G on transcript NM_014974.3 (MANE Select); coding-DNA position 3121, A replaced by G.
Protein change: p.Ile1041Val; replaces isoleucine 1041 with valine.
Molecular consequence: missense variant.
Genome position (GRCh38, 1-based): chr10:348,751, T>C on the plus strand (A>G on the coding strand, the complement: DIP2C is on the minus strand). VCF-style: chr10-348751-T-C. GRCh37 (hg19) VCF-style: chr10-394691-T-C.
Other names: short protein forms I1041V.
Identifiers: ClinVar variation 4716662 (VCV004716662.1).